The following is an entry in ClinVar:

NM_012247.5(SEPHS1):c.27G>A (p.Pro9=)

Gene: SEPHS1 (selenophosphate synthetase 1; minus strand). Cytogenetic location: 10p13.
Variant type: single nucleotide variant.
Coding change: c.27G>A on transcript NM_012247.5 (MANE Select); coding-DNA position 27, G replaced by A.
Protein change: p.Pro9=; no amino-acid change (proline 9 retained).
Molecular consequence: synonymous variant. On other transcripts: non-coding transcript variant (1), intron variant (1).
Genome position (GRCh38, 1-based): chr10:13,344,924, C>T on the plus strand (G>A on the coding strand, the complement: SEPHS1 is on the minus strand). VCF-style: chr10-13344924-C-T. GRCh37 (hg19) VCF-style: chr10-13386924-C-T.
Other names: c.27G>A, p.Pro9= (NM_001195604.2, NM_001375769.1); c.-9+3076G>A (NM_001195602.2).
Identifiers: ClinVar variation 3778240 (VCV003778240.7).

ClinVar aggregate classification (germline): Likely benign (1 of 4 stars; one submission).

gnomAD v4.1: 6 of 1,590,148 alleles (0.00038%); highest among the groups gnomAD compares: Non-Finnish European, 0.00051%; no homozygotes.

Submission:

CeGaT Center for Human Genetics Tuebingen
Classification: Likely benign. Last evaluated: 2025-03-01. Review status: criteria provided, single submitter. Criteria: CeGaT Center For Human Genetics Tuebingen Variant Classification Criteria Version 2. Collection method: clinical testing. Allele origin: germline. Affected: yes. Observed: 1 variant allele.
Comment: SEPHS1: BP4, BP7